The following is an entry in ClinVar:

ClinVar aggregate classification (germline): Uncertain significance (1 of 4 stars; one submission).

Conditions:
Cardiovascular phenotype. Identifiers: MedGen CN230736.
Hereditary cancer-predisposing syndrome. Also called: Neoplastic Syndromes, Hereditary; Hereditary Cancer Syndrome; Tumor predisposition; Hereditary neoplastic syndrome. Identifiers: Orphanet 140162, MedGen C0027672, MeSH D009386, MONDO:0015356.

Submission:

Ambry Genetics
Classification: Uncertain significance for Cardiovascular phenotype; Hereditary cancer-predisposing syndrome. Last evaluated: 2023-01-12. Review status: criteria provided, single submitter. Criteria: Ambry Variant Classification Scheme 2023. Collection method: clinical testing. Allele origin: germline.
Comment: The p.S330R variant (also known as c.990C>A), located in coding exon 9 of the LZTR1 gene, results from a C to A substitution at nucleotide position 990. The serine at codon 330 is replaced by arginine, an amino acid with dissimilar properties. This amino acid position is conserved. In addition, this alteration is predicted to be tolerated by in silico analysis. Since supporting evidence is limited at this time, the clinical significance of this alteration remains unclear.

NM_006767.4(LZTR1):c.990C>A (p.Ser330Arg)

Gene: LZTR1 (leucine zipper like post translational regulator 1; plus strand). Cytogenetic location: 22q11.21.
Variant type: single nucleotide variant.
Coding change: c.990C>A on transcript NM_006767.4 (MANE Select); coding-DNA position 990, C replaced by A.
Protein change: p.Ser330Arg; replaces serine 330 with arginine.
Molecular consequence: missense variant.
Genome position (GRCh38, 1-based): chr22:20,991,826, C>A. VCF-style: chr22-20991826-C-A. GRCh37 (hg19) VCF-style: chr22-21346115-C-A.
Other names: short protein forms S330R.
Identifiers: ClinVar variation 2447738 (VCV002447738.2), dbSNP rs548900356, ClinGen allele CA410781667.